The following is an entry in ClinVar:

NM_000213.5(ITGB4):c.4635_4636del (p.Arg1545fs)

Genes: GALK1 (galactokinase 1; minus strand), ITGB4 (integrin subunit beta 4; plus strand). Cytogenetic location: 17q25.1.
Variant type: Microsatellite.
Coding change: c.4635_4636del on transcript NM_000213.5 (MANE Select); coding-DNA positions 4635 to 4636, 2 bases deleted (AG; older notation c.4635_4636delAG).
Protein change: p.Arg1545fs; shifts the reading frame from arginine 1545.
Molecular consequence: frameshift variant. On other transcripts: intron variant (2).
Genome position (GRCh38, 1-based): chr17:75,755,777-75,755,778, AG deleted; deleting any 2 consecutive bases within chr17:75,755,775-75,755,778 gives the same sequence; the c. name uses the placement nearest the transcript's 3' end. VCF-style (leftmost placement, unchanged base first): chr17-75755774-CAG-C. GRCh37 (hg19) VCF-style: chr17-73751855-CAG-C.
Other names: c.4584_4585del, p.Arg1528fs (NM_001005619.2); c.4425_4426del, p.Arg1475fs (NM_001005731.3, NM_001321123.2); c.4349-652_4349-651del (NM_001438834.1); c.*22+2258_*22+2259del (NM_001381985.1); short protein forms R1475fs, R1528fs, R1545fs.
Identifiers: ClinVar variation 817024 (VCV000817024.4), dbSNP rs1178371226, ClinGen allele CA775093876.

ClinVar aggregate classification (germline): Pathogenic/Likely pathogenic. Review status: criteria provided, multiple submitters, no conflicts (2 of 4 stars). 2 submissions from 2 submitters: Pathogenic (1); Likely pathogenic (1). Last evaluated 2022-04-26.

Conditions:
Epidermolysis bullosa, junctional 5A, intermediate. Also called: EPIDERMOLYSIS BULLOSA, JUNCTIONAL 5A, GENERALIZED INTERMEDIATE; EPIDERMOLYSIS BULLOSA, JUNCTIONAL 5A, NON-HERLITZ TYPE. Identifiers: MedGen C5676956, MONDO:0030768, OMIM 619816.
Junctional epidermolysis bullosa with pyloric atresia. Also called: CARMI SYNDROME; ITGB4-Related Epidermolysis Bullosa with Pyloric Atresia; Epidermolysis bullosa, junctional, with pyloric atresia and aplasia cutis congenita; Epidermolysis bullosa junctionalis with pyloric atresia; EPIDERMOLYSIS BULLOSA, JUNCTIONAL 5B, WITH PYLORIC ATRESIA; APLASIA CUTIS CONGENITA WITH GASTROINTESTINAL ATRESIA. Identifiers: Orphanet 79403, MedGen C5676875, MONDO:0009183, OMIM 226730.

Submissions (2):

Fulgent Genetics
Classification: Likely pathogenic for Junctional epidermolysis bullosa with pyloric atresia; Epidermolysis bullosa, junctional 5A, intermediate. Last evaluated: 2022-04-26. Review status: criteria provided, single submitter. Criteria: ACMG Guidelines, 2015. Collection method: clinical testing. Allele origin: unknown.

GeneDx
Classification: Pathogenic. Last evaluated: 2018-12-27. Review status: criteria provided, single submitter. Criteria: GeneDx Variant Classification (06012015). Collection method: clinical testing. Allele origin: germline. Affected: yes.
Comment: The c.4635_4636delAG pathogenic variant in the ITGB4 gene has not been reported previously as a pathogenic variant, nor as a benign variant, to our knowledge. The c.4635_4636delAG variant causes a frameshift starting with codon Arginine 1545, changes this amino acid to a Serine residue, and creates a premature Stop codon at position 26 of the new reading frame, denoted p.Arg1545SerfsX26. This variant is predicted to cause loss of normal protein function either through protein truncation or nonsense-mediated mRNA decay. The c.4635_4636delAG variant is not observed in large population cohorts (Lek et al., 2016). We interpret c.4635_4636delAG as a pathogenic variant.